The following is an entry in ClinVar:

NM_001253697.2(ERBIN):c.3457C>T (p.Pro1153Ser)

Gene: ERBIN (erbb2 interacting protein; plus strand). Cytogenetic location: 5q12.3.
Variant type: single nucleotide variant.
Coding change: c.3457C>T on transcript NM_001253697.2 (MANE Select); coding-DNA position 3457, C replaced by T.
Protein change: p.Pro1153Ser; replaces proline 1153 with serine.
Molecular consequence: missense variant.
Genome position (GRCh38, 1-based): chr5:66,054,775, C>T. VCF-style: chr5-66054775-C-T. GRCh37 (hg19) VCF-style: chr5-65350603-C-T.
Other names: c.3457C>T, p.Pro1153Ser (NM_001006600.3, NM_001253698.2, NM_001253699.2 and 1 more transcripts); c.3445C>T, p.Pro1149Ser (NM_001253701.2); short protein forms P1149S, P1153S.
Identifiers: ClinVar variation 1494399 (VCV001494399.37), dbSNP rs369314970, ClinGen allele CA3286661.

ClinVar aggregate classification (germline): Uncertain significance. Review status: criteria provided, multiple submitters, no conflicts (2 of 4 stars). 2 submissions from 2 submitters: Uncertain significance (2). Last evaluated 2023-10-18.

Allele frequency attached by ClinVar (database versions not stated): TOPMed 0.00001; ExAC 0.00002; gnomAD exomes 0.00002; ESP Exome Variant Server 0.00008.
gnomAD v4.1: 29 of 1,614,022 alleles (0.0018%); highest among the groups gnomAD compares: Non-Finnish European, 0.0025%; no homozygotes.

Submissions (2):

Labcorp Genetics (formerly Invitae), Labcorp
Classification: Uncertain significance. Last evaluated: 2023-10-18. Review status: criteria provided, single submitter. Criteria: Invitae Variant Classification Sherloc (09022015). Collection method: clinical testing. Allele origin: germline.
Comment: This sequence change replaces proline, which is neutral and non-polar, with serine, which is neutral and polar, at codon 1153 of the ERBIN protein (p.Pro1153Ser). This variant is present in population databases (rs369314970, gnomAD 0.004%). This variant has not been reported in the literature in individuals affected with ERBIN-related conditions. ClinVar contains an entry for this variant (Variation ID: 1494399). Algorithms developed to predict the effect of missense changes on protein structure and function output the following: SIFT: "Not Available"; PolyPhen-2: "Benign"; Align-GVGD: "Not Available". The serine amino acid residue is found in multiple mammalian species, which suggests that this missense change does not adversely affect protein function. In summary, the available evidence is currently insufficient to determine the role of this variant in disease. Therefore, it has been classified as a Variant of Uncertain Significance.

CeGaT Center for Human Genetics Tuebingen
Classification: Uncertain significance. Last evaluated: 2022-07-01. Review status: criteria provided, single submitter. Criteria: CeGaT Center For Human Genetics Tuebingen Variant Classification Criteria Version 2. Collection method: clinical testing. Allele origin: germline. Affected: yes. Observed: 1 variant allele.